The following is an entry in ClinVar:

NR_197388.1(MIR17HG):n.3337T>C

Gene: MIR17HG (miR-17-92a-1 cluster host gene; plus strand). Cytogenetic location: 13q31.3.
Variant type: single nucleotide variant.
Molecular consequence: non-coding transcript variant (on NR_197388.1).
Genome position: GRCh38 VCF-style: chr13-91353146-T-C. GRCh37 (hg19) VCF-style: chr13-92005400-T-C.
Identifiers: ClinVar variation 3348392 (VCV003348392.1).

ClinVar aggregate classification (germline): Likely benign (0 of 4 stars; one submission).

Conditions:
MIR17HG-related disorder. Also called: MIR17HG-related condition.

Submission:

PreventionGenetics, part of Exact Sciences
Classification: Likely benign for MIR17HG-related condition. Last evaluated: 2024-09-19. Review status: no assertion criteria provided. Collection method: clinical testing. Allele origin: germline.
Comment: This variant is classified as likely benign based on ACMG/AMP sequence variant interpretation guidelines (Richards et al. 2015 PMID: 25741868, with internal and published modifications).